The following is an entry in ClinVar:

NM_000035.4(ALDOB):c.556A>G (p.Ile186Val)

Gene: ALDOB (aldolase, fructose-bisphosphate B; minus strand). Cytogenetic location: 9q31.1.
Variant type: single nucleotide variant.
Coding change: c.556A>G on transcript NM_000035.4 (MANE Select); coding-DNA position 556, A replaced by G.
Protein change: p.Ile186Val; replaces isoleucine 186 with valine.
Molecular consequence: missense variant.
Genome position (GRCh38, 1-based): chr9:101,426,623, T>C on the plus strand (A>G on the coding strand, the complement: ALDOB is on the minus strand). VCF-style: chr9-101426623-T-C. GRCh37 (hg19) VCF-style: chr9-104188905-T-C.
Other names: c.556A>G (NM_000035.3); short protein forms I186V.
Identifiers: ClinVar variation 2202151 (VCV002202151.4), dbSNP rs773615357, ClinGen allele CA5161538.

ClinVar aggregate classification (germline): Uncertain significance. Review status: criteria provided, multiple submitters, no conflicts (2 of 4 stars). 2 submissions from 2 submitters: Uncertain significance (2). Last evaluated 2025-06-23.

Conditions:
Inborn genetic diseases. Identifiers: MedGen C0950123, MeSH D030342.
Hereditary fructosuria. Also called: ALDOB DEFICIENCY; ALDOLASE B DEFICIENCY; FRUCTOSE-1,6-BISPHOSPHATE ALDOLASE B DEFICIENCY; FRUCTOSE-1-PHOSPHATE ALDOLASE DEFICIENCY; FRUCTOSEMIA; Hereditary fructose intolerance. Identifiers: Orphanet 469, MedGen C0016751, MONDO:0009249, OMIM 229600, HP:0005973. Disease mechanism: loss of function.

Allele frequency attached by ClinVar (database versions not stated): ExAC 0.00001; gnomAD exomes 0.00002; TOPMed 0.00002.

Submissions (2):

Labcorp Genetics (formerly Invitae), Labcorp
Classification: Uncertain significance for Hereditary fructosuria. Last evaluated: 2025-06-23. Review status: criteria provided, single submitter. Criteria: Invitae Variant Classification Sherloc (09022015). Collection method: clinical testing. Allele origin: germline.
Comment: This sequence change replaces isoleucine, which is neutral and non-polar, with valine, which is neutral and non-polar, at codon 186 of the ALDOB protein (p.Ile186Val). This variant is present in population databases (rs773615357, gnomAD 0.006%). This variant has not been reported in the literature in individuals affected with ALDOB-related conditions. ClinVar contains an entry for this variant (Variation ID: 2202151). An algorithm developed to predict the effect of missense changes on protein structure and function (PolyPhen-2) suggests that this variant is likely to be disruptive. In summary, the available evidence is currently insufficient to determine the role of this variant in disease. Therefore, it has been classified as a Variant of Uncertain Significance.

Ambry Genetics
Classification: Uncertain significance for Inborn genetic diseases. Last evaluated: 2025-05-01. Review status: criteria provided, single submitter. Criteria: Ambry Variant Classification Scheme 2023. Collection method: clinical testing. Allele origin: germline.